The following is an entry in ClinVar:

NM_024824.5(ZC3H14):c.1279+9T>C

Gene: ZC3H14 (zinc finger CCCH-type containing 14; plus strand). Cytogenetic location: 14q31.3.
Variant type: single nucleotide variant.
Coding change: c.1279+9T>C on transcript NM_024824.5 (MANE Select); 9 bases into the intron after coding-DNA position 1279, T replaced by C.
Molecular consequence: intron variant.
Genome position (GRCh38, 1-based): chr14:88,578,149, T>C. VCF-style: chr14-88578149-T-C. GRCh37 (hg19) VCF-style: chr14-89044493-T-C.
Other names: c.1177+9T>C (NM_001326297.2, NM_001326315.2, NM_001326301.2 and 3 more transcripts); c.1279+9T>C (NM_001160103.2, NM_001326310.2, NM_001160104.2 and 8 more transcripts); c.1123+2209T>C (NM_001326313.2, NM_001326306.2); c.814+9T>C (NM_001326300.2, NM_001326302.2, NM_001326308.2 and 5 more transcripts).
Identifiers: ClinVar variation 981893 (VCV000981893.3), dbSNP rs200718239, ClinGen allele CA7300435.

ClinVar aggregate classification (germline): Uncertain significance. Review status: criteria provided, single submitter (1 of 4 stars). 2 submissions from 2 submitters: Uncertain significance (1). 1 of the submissions does not count toward it. Last evaluated 2020-10-16.

Conditions:
ZC3H14-related disorder. Also called: ZC3H14-related condition.
Intellectual disability. Also called: Intellectual functioning disability; intellectual disabilities; Intellectual developmental disorder. Identifiers: MedGen C3714756, MeSH D008607, MONDO:0001071, HP:0001249.

Allele frequency attached by ClinVar (database versions not stated): gnomAD exomes 0.00062 and 0.00049; ESP Exome Variant Server 0.00023; TOPMed 0.00032; ExAC 0.00063; gnomAD 0.00068 and 0.00071.
gnomAD v4.1: 819 of 1,613,648 alleles (0.051%); highest among the groups gnomAD compares: Non-Finnish European, 0.042%; 1 homozygote.

Submissions (2):

Center for Statistical Genetics, Columbia University
Classification: Uncertain significance for Intellectual disability. Last evaluated: 2020-10-16. Review status: criteria provided, single submitter. Criteria: ACMG Guidelines, 2015. Collection method: research. Allele origin: inherited. Affected: yes.

PreventionGenetics, part of Exact Sciences
Classification: Likely benign for ZC3H14-related condition. Last evaluated: 2019-03-22. Review status: no assertion criteria provided. Collection method: clinical testing. Allele origin: germline. Not counted in ClinVar's aggregate classification.
Comment: This variant is classified as likely benign based on ACMG/AMP sequence variant interpretation guidelines (Richards et al. 2015 PMID: 25741868, with internal and published modifications).